The following is an entry in ClinVar:

NM_001079866.2(BCS1L):c.821C>T (p.Pro274Leu)

Gene: BCS1L (BCS1 ubiquinol-cytochrome c reductase complex chaperone; plus strand). Cytogenetic location: 2q35.
Variant type: single nucleotide variant.
Coding change: c.821C>T on transcript NM_001079866.2 (MANE Select); coding-DNA position 821, C replaced by T.
Protein change: p.Pro274Leu; replaces proline 274 with leucine.
Molecular consequence: missense variant. On other transcripts: non-coding transcript variant (1).
Genome position (GRCh38, 1-based): chr2:218,662,611, C>T. VCF-style: chr2-218662611-C-T. GRCh37 (hg19) VCF-style: chr2-219527334-C-T.
Other names: c.821C>T, p.Pro274Leu (NM_001257342.2, NM_001257343.2, NM_001257344.2 and 10 more transcripts); c.461C>T, p.Pro154Leu (NM_001318836.2, NM_001371451.1); c.320C>T, p.Pro107Leu (NM_001371452.1, NM_001371453.1, NM_001371454.1 and 3 more transcripts); short protein forms P107L, P154L, P274L.
Identifiers: ClinVar variation 3252825 (VCV003252825.3), dbSNP rs144823158.
Genomic context (GRCh38, chr2:218,662,611, plus strand): 5'-TGAGCCTCACGGACTCCAGCCTCTCTGATGACCGACTCAACCACCTGCTGAGCGTGGCCC[C>T]GCAGCAGAGCCTGGTACTCCTGGAGGATGTGGATGCTGCTTTTCTCAGTCGAGACTTGGC-3'
Protein context (NP_001073335.1, residues 264-284): DRLNHLLSVA[Pro274Leu]QQSLVLLEDV

ClinVar aggregate classification (germline): Uncertain significance. Review status: criteria provided, multiple submitters, no conflicts (2 of 4 stars). 3 submissions from 3 submitters: Uncertain significance (3). Last evaluated 2024-05-12.

Conditions:
Inborn genetic diseases. Identifiers: MedGen C0950123, MeSH D030342.
Pili torti-deafness syndrome (BJS). Also called: PILI TORTI AND NERVE DEAFNESS; Bjornstad syndrome. Identifiers: Orphanet 123, MedGen C0266006, MONDO:0009872, OMIM 262000.
Mitochondrial complex III deficiency nuclear type 1. Identifiers: Orphanet 254902, MedGen C3541471, MONDO:0007415, OMIM 124000.
GRACILE syndrome (FLNMS). Also called: FELLMAN SYNDROME; FINNISH LETHAL NEONATAL METABOLIC SYNDROME. Identifiers: Orphanet 53693, MedGen C1864002, MONDO:0011308, OMIM 603358.

Allele frequency attached by ClinVar (database versions not stated): TOPMed below 0.00001; ExAC 0.00001; ESP Exome Variant Server 0.00008.
gnomAD v4.1: 19 of 1,614,172 alleles (0.0012%); highest among the groups gnomAD compares: East Asian, 0.0022%; no homozygotes.

Submissions (3):

Ambry Genetics
Classification: Uncertain significance for Inborn genetic diseases. Last evaluated: 2024-05-12. Review status: criteria provided, single submitter. Criteria: Ambry Variant Classification Scheme 2023. Collection method: clinical testing. Allele origin: germline.

Fulgent Genetics
Classification: Uncertain significance for Mitochondrial complex III deficiency nuclear type 1; Pili torti-deafness syndrome; GRACILE syndrome. Last evaluated: 2023-12-29. Review status: criteria provided, single submitter. Criteria: ACMG Guidelines, 2015. Collection method: clinical testing. Allele origin: germline.

GeneDx
Classification: Uncertain significance. Last evaluated: 2023-10-05. Review status: criteria provided, single submitter. Criteria: GeneDx Variant Classification Process June 2021. Collection method: clinical testing. Allele origin: germline. Affected: yes.
Comment: Not observed at significant frequency in large population cohorts (gnomAD); In silico analysis supports that this missense variant has a deleterious effect on protein structure/function; Has not been previously published as pathogenic or benign to our knowledge